The following is an entry in ClinVar:

NM_004928.3(CFAP410):c.752T>G (p.Val251Gly)

Gene: CFAP410 (cilia and flagella associated protein 410; minus strand). Cytogenetic location: 21q22.3.
Variant type: single nucleotide variant.
Coding change: c.752T>G on transcript NM_004928.3 (MANE Select); coding-DNA position 752, T replaced by G.
Protein change: p.Val251Gly; replaces valine 251 with glycine.
Molecular consequence: missense variant.
Genome position (GRCh38, 1-based): chr21:44,330,217, A>C on the plus strand (T>G on the coding strand, the complement: CFAP410 is on the minus strand). VCF-style: chr21-44330217-A-C. GRCh37 (hg19) VCF-style: chr21-45750100-A-C.
Other names: c.749T>G, p.Val250Gly (NM_001271440.2); c.1109T>G, p.Val370Gly (NM_001271441.2); c.626T>G, p.Val209Gly (NM_001271442.1); short protein forms V209G, V250G, V370G, V251G.
Identifiers: ClinVar variation 1500520 (VCV001500520.5), dbSNP rs1485700552, ClinGen allele CA410448080.

ClinVar aggregate classification (germline): Uncertain significance (1 of 4 stars; one submission).

Allele frequency attached by ClinVar (database versions not stated): gnomAD 0.00001; gnomAD exomes 0.00001; TOPMed 0.00005.
gnomAD v4.1: 16 of 1,576,988 alleles (0.001%); highest among the groups gnomAD compares: Admixed American, 0.0054%; no homozygotes.

Submission:

Labcorp Genetics (formerly Invitae), Labcorp
Classification: Uncertain significance. Last evaluated: 2022-08-21. Review status: criteria provided, single submitter. Criteria: Invitae Variant Classification Sherloc (09022015). Collection method: clinical testing. Allele origin: germline.
Comment: This sequence change replaces valine, which is neutral and non-polar, with glycine, which is neutral and non-polar, at codon 251 of the CFAP410 protein (p.Val251Gly). This variant is present in population databases (no rsID available, gnomAD 0.004%). This variant has not been reported in the literature in individuals affected with CFAP410-related conditions. ClinVar contains an entry for this variant (Variation ID: 1500520). Algorithms developed to predict the effect of missense changes on protein structure and function (SIFT, PolyPhen-2, Align-GVGD) all suggest that this variant is likely to be tolerated. In summary, the available evidence is currently insufficient to determine the role of this variant in disease. Therefore, it has been classified as a Variant of Uncertain Significance.